The following is an entry in ClinVar:

ClinVar aggregate classification (germline): Uncertain significance (1 of 4 stars; one submission).

Conditions:
Familial thoracic aortic aneurysm and aortic dissection (TAAD). Also called: Thoracic aortic aneurysms and dissections. Identifiers: Orphanet 91387, MedGen C4707243, MONDO:0019625.

gnomAD v4.1: 2 of 1,613,968 alleles (0.00012%); highest among the groups gnomAD compares: Non-Finnish European, 0.00017%; no homozygotes.

Submission:

Color Diagnostics, LLC DBA Color Health
Classification: Uncertain significance for Familial thoracic aortic aneurysm and aortic dissection. Last evaluated: 2025-09-01. Review status: criteria provided, single submitter. Criteria: ACMG Guidelines, 2015. Collection method: clinical testing. Allele origin: germline.
Comment: This missense variant replaces aspartic acid with glutamic acid at codon 730 of the FBN1 protein. Computational prediction is inconclusive regarding the impact of this variant on protein structure and function. To our knowledge, functional studies have not been reported for this variant. This variant has not been reported in individuals affected with FBN1-related disorders in the literature. This variant has not been identified in the general population by the Genome Aggregation Database (gnomAD). The available evidence is insufficient to determine the role of this variant in disease conclusively. Therefore, this variant is classified as a Variant of Uncertain Significance.

NM_000138.5(FBN1):c.2190T>A (p.Asp730Glu)

Gene: FBN1 (fibrillin 1; minus strand). Cytogenetic location: 15q21.1.
Variant type: single nucleotide variant.
Coding change: c.2190T>A on transcript NM_000138.5 (MANE Select); coding-DNA position 2190, T replaced by A.
Protein change: p.Asp730Glu; replaces aspartic acid 730 with glutamic acid.
Molecular consequence: missense variant.
Genome position (GRCh38, 1-based): chr15:48,497,369, A>T on the plus strand (T>A on the coding strand, the complement: FBN1 is on the minus strand). VCF-style: chr15-48497369-A-T. GRCh37 (hg19) VCF-style: chr15-48789566-A-T.
Other names: c.2190T>A, p.Asp730Glu (NM_001406716.1); short protein forms D730E.
Identifiers: ClinVar variation 4756313 (VCV004756313.1).